The following is an entry in ClinVar:

ClinVar aggregate classification (germline): Uncertain significance (1 of 4 stars; one submission).

Submission:

GeneDx
Classification: Uncertain significance. Last evaluated: 2023-11-15. Review status: criteria provided, single submitter. Criteria: GeneDx Variant Classification Process June 2021. Collection method: clinical testing. Allele origin: germline. Affected: yes.
Comment: Not observed at significant frequency in large population cohorts (gnomAD); Canonical splice site variant in a gene or region of a gene for which loss of function is not a well-established mechanism of disease; Has not been previously published as pathogenic or benign to our knowledge

NM_003719.5(PDE8B):c.1577-2A>C

Gene: PDE8B (phosphodiesterase 8B; plus strand). Cytogenetic location: 5q13.3.
Variant type: single nucleotide variant.
Coding change: c.1577-2A>C on transcript NM_003719.5 (MANE Select); the canonical splice acceptor site of the intron before coding-DNA position 1577, A replaced by C.
Molecular consequence: splice acceptor variant.
Genome position (GRCh38, 1-based): chr5:77,412,098, A>C. VCF-style: chr5-77412098-A-C. GRCh37 (hg19) VCF-style: chr5-76707923-A-C.
Other names: c.1205-2A>C (NM_001414622.1, NM_001414623.1, NM_001349753.2 and 2 more transcripts); c.1337-2A>C (NM_001349750.3); c.1193-2A>C (NM_001376069.1); c.1274-2A>C (NM_001376062.1, NM_001376072.1); c.1133-2A>C (NM_001376070.1); c.983-2A>C (NM_001376073.1); c.1271-2A>C (NM_001349752.3); c.1130-2A>C (NM_001376071.1); and 12 more.
Identifiers: ClinVar variation 3364391 (VCV003364391.1).
Genomic context (GRCh38, chr5:77,412,098, plus strand): 5'-GACACCCGGGCACTCAAGATTCCACAATTAACCAGCCTCCCCCATCCCATCTGTTTGCTC[A>C]GATGTGCACCAGAGTCACAGTCACCTTGCAATGCCAATAACCATCAATGATGTTCCCCCT-3'